The following is an entry in ClinVar:

NM_000406.3(GNRHR):c.851A>G (p.Tyr284Cys)

Gene: GNRHR (gonadotropin releasing hormone receptor; minus strand). Cytogenetic location: 4q13.2.
Variant type: single nucleotide variant.
Coding change: c.851A>G on transcript NM_000406.3 (MANE Select); coding-DNA position 851, A replaced by G.
Protein change: p.Tyr284Cys; replaces tyrosine 284 with cysteine.
Molecular consequence: missense variant. On other transcripts: synonymous variant (1).
Genome position (GRCh38, 1-based): chr4:67,740,616, T>C on the plus strand (A>G on the coding strand, the complement: GNRHR is on the minus strand). VCF-style: chr4-67740616-T-C. GRCh37 (hg19) VCF-style: chr4-68606334-T-C.
Other names: c.723A>G, p.Leu241= (NM_001012763.2); short protein forms Y284C.
Identifiers: ClinVar variation 16025 (VCV000016025.4), dbSNP rs28933074, ClinGen allele CA130201.

ClinVar aggregate classification (germline): Likely pathogenic. Review status: criteria provided, multiple submitters, no conflicts (2 of 4 stars). 3 submissions from 3 submitters: Likely pathogenic (2). 1 of the submissions does not count toward it. Last evaluated 2025-10-09.

Conditions:
Hypogonadotropic hypogonadism 7 with or without anosmia (HH7). Also called: HYPOGONADOTROPIC HYPOGONADISM 7 WITHOUT ANOSMIA; GNRHR-Related GnRH Deficiency. Identifiers: Orphanet 432, MedGen C0342384, MONDO:0007794, OMIM 146110.

Allele frequency attached by ClinVar (database versions not stated): gnomAD exomes below 0.00001; ExAC 0.00001; TOPMed 0.00002; gnomAD 0.00001.

Submissions (3):

Dasa
Classification: Likely pathogenic. Last evaluated: 2025-10-09. Review status: criteria provided, single submitter. Criteria: DASA Assertion Criteria. Collection method: clinical testing. Allele origin: germline.
Comment: NM_000406.3(GNRHR):c.851A>G (p.Tyr284Cys) is a missense variant that results in the substitution of tyrosine with cysteine. This variant has been recurrently observed in individuals with GNRHR-related disorders (PMID: 16968799; PMID: 20207726). Functional evidence supports an impact on the gene or gene product (PMID: 30575316; PMID: 16968799; PMID: 20207726). Also, this variant is rare in population databases. Computational evidence supports a deleterious effect. Based on the currently available evidence, this variant is classified as likely pathogenic.

Fulgent Genetics
Classification: Likely pathogenic for Hypogonadotropic hypogonadism 7 with or without anosmia. Last evaluated: 2021-08-10. Review status: criteria provided, single submitter. Criteria: ACMG Guidelines, 2015. Collection method: clinical testing. Allele origin: unknown.

OMIM
Classification: Pathogenic for HYPOGONADOTROPIC HYPOGONADISM 7 WITHOUT ANOSMIA. Last evaluated: 1998-01-01. Review status: no assertion criteria provided. Collection method: literature only. Allele origin: germline. Not counted in ClinVar's aggregate classification.

Literature cited by the submitters: PubMed 30575316 (cited by Dasa); PubMed 16968799 (cited by Dasa); PubMed 20207726 (cited by Dasa); PubMed 9425890 (cited by OMIM).